The following is an entry in ClinVar:

NM_130839.5(UBE3A):c.2179T>C (p.Phe727Leu)

Genes: SNHG14 (small nucleolar RNA host gene 14; plus strand), UBE3A (ubiquitin protein ligase E3A; minus strand). Cytogenetic location: 15q11.2.
Variant type: single nucleotide variant.
Coding change: c.2179T>C on transcript NM_130839.5 (MANE Select); coding-DNA position 2179, T replaced by C.
Protein change: p.Phe727Leu; replaces phenylalanine 727 with leucine.
Molecular consequence: missense variant. On other transcripts: non-coding transcript variant (1), intron variant (3).
Genome position (GRCh38, 1-based): chr15:25,354,629, A>G on the plus strand (T>C on the coding strand, the complement: UBE3A is on the minus strand). VCF-style: chr15-25354629-A-G. GRCh37 (hg19) VCF-style: chr15-25599776-A-G.
Other names: c.2119T>C, p.Phe707Leu (NM_001354523.2, NM_001354526.1, NM_001354539.2 and 14 more transcripts); c.2179T>C, p.Phe727Leu (NM_001354538.2, NM_001354505.1); c.2002T>C, p.Phe668Leu (NM_001354546.2); c.2188T>C, p.Phe730Leu (NM_000462.5); c.1954T>C, p.Phe652Leu (NM_001354549.2); c.928T>C, p.Phe310Leu (NM_001354550.2); c.868T>C, p.Phe290Leu (NM_001354551.2); c.2065-203T>C (NM_001354548.2, NM_001354547.2); and 1 more; short protein forms F290L, F310L, F652L, F668L, F707L, F727L, F730L.
Identifiers: ClinVar variation 3371033 (VCV003371033.8).
Genomic context (GRCh38, chr15:25,354,629, plus strand): 5'-ATAAGTACTTTAAGGGAGATTCATTGGTCACCATATGAAAACCTCTCCGAAAAGCCTTGA[A>G]CTGTTTTTCTACTGATTTATTGAGAATGTAGTCAGAATAAAGATTGACAAATTCCTGTAG-3'
Protein context (NP_570854.1, residues 717-737): YILNKSVEKQ[Phe727Leu]KAFRRGFHMV

ClinVar aggregate classification (germline): Uncertain significance. Review status: criteria provided, multiple submitters, no conflicts (2 of 4 stars). 3 submissions from 3 submitters: Uncertain significance (3). Last evaluated 2025-12-01.

Conditions:
Angelman syndrome (AS). Also called: HAPPY PUPPET SYNDROME. Identifiers: Orphanet 72, MedGen C0162635, MONDO:0007113, OMIM 105830. Disease mechanism: loss of function. Inheritance: AS is caused by disruption of maternally imprinted UBE3A located within the 15q11.2-q13 Angelman syndrome/Prader-Willi syndrome (AS/PWS) region., imprinting disorder.

gnomAD v4.1: 4 of 1,613,698 alleles (0.00025%); highest among the groups gnomAD compares: Admixed American, 0.005%; no homozygotes.

Submissions (3):

CeGaT Center for Human Genetics Tuebingen
Classification: Uncertain significance. Last evaluated: 2025-12-01. Review status: criteria provided, single submitter. Criteria: CeGaT Center For Human Genetics Tuebingen Variant Classification Criteria Version 2. Collection method: clinical testing. Allele origin: germline. Affected: yes. Observed: 1 variant allele.
Comment: UBE3A: PM2:Supporting

Labcorp Genetics (formerly Invitae), Labcorp
Classification: Uncertain significance for Angelman syndrome. Last evaluated: 2024-04-15. Review status: criteria provided, single submitter. Criteria: Invitae Variant Classification Sherloc (09022015). Collection method: clinical testing. Allele origin: germline.
Comment: This sequence change replaces phenylalanine, which is neutral and non-polar, with leucine, which is neutral and non-polar, at codon 707 of the UBE3A protein (p.Phe707Leu). This variant is present in population databases (rs746859435, gnomAD 0.006%). This variant has not been reported in the literature in individuals affected with UBE3A-related conditions. Advanced modeling of protein sequence and biophysical properties (such as structural, functional, and spatial information, amino acid conservation, physicochemical variation, residue mobility, and thermodynamic stability) performed at Invitae indicates that this missense variant is expected to disrupt UBE3A protein function with a positive predictive value of 95%. In summary, the available evidence is currently insufficient to determine the role of this variant in disease. Therefore, it has been classified as a Variant of Uncertain Significance.

GeneDx
Classification: Uncertain significance. Last evaluated: 2024-03-18. Review status: criteria provided, single submitter. Criteria: GeneDx Variant Classification Process June 2021. Collection method: clinical testing. Allele origin: germline. Affected: yes.
Comment: In silico analysis supports that this missense variant has a deleterious effect on protein structure/function; Has not been previously published as pathogenic or benign to our knowledge